The following is an entry in ClinVar:

ClinVar aggregate classification (germline): Pathogenic/Likely pathogenic. Review status: criteria provided, multiple submitters, no conflicts (2 of 4 stars). 2 submissions from 2 submitters: Pathogenic (1); Likely pathogenic (1). Last evaluated 2023-02-14.

Submissions (2):

Labcorp Genetics (formerly Invitae), Labcorp
Classification: Pathogenic. Last evaluated: 2023-02-14. Review status: criteria provided, single submitter. Criteria: Invitae Variant Classification Sherloc (09022015). Collection method: clinical testing. Allele origin: germline.
Comment: This sequence change creates a premature translational stop signal (p.Gln766*) in the ABCA12 gene. It is expected to result in an absent or disrupted protein product. Loss-of-function variants in ABCA12 are known to be pathogenic (PMID: 20672373). This variant is not present in population databases (gnomAD no frequency). This variant has not been reported in the literature in individuals affected with ABCA12-related conditions. ClinVar contains an entry for this variant (Variation ID: 489123). For these reasons, this variant has been classified as Pathogenic.

GeneDx
Classification: Likely pathogenic. Last evaluated: 2017-11-15. Review status: criteria provided, single submitter. Criteria: GeneDx Variant Classification (06012015). Collection method: clinical testing. Allele origin: germline. Affected: yes.
Comment: The Q766X variant in the ABCA12 gene has not been reported previously as a pathogenic variant, nor as a benign variant, to our knowledge. This variant is predicted to cause loss of normal protein function either through protein truncation or nonsense-mediated mRNA decay. The Q766X variant is not observed in large population cohorts (Lek et al., 2016). We interpret Q766X as a likely pathogenic variant.

Literature cited by the submitters: PubMed 20672373 (cited by Labcorp Genetics (formerly Invitae), Labcorp).

NM_173076.3(ABCA12):c.2296C>T (p.Gln766Ter)

Gene: ABCA12 (ATP binding cassette subfamily A member 12; minus strand). Cytogenetic location: 2q35.
Variant type: single nucleotide variant.
Coding change: c.2296C>T on transcript NM_173076.3 (MANE Select); coding-DNA position 2296, C replaced by T.
Protein change: p.Gln766Ter; replaces glutamine 766 with a stop codon.
Molecular consequence: nonsense. On other transcripts: non-coding transcript variant (1).
Genome position (GRCh38, 1-based): chr2:215,011,475, G>A on the plus strand (C>T on the coding strand, the complement: ABCA12 is on the minus strand). VCF-style: chr2-215011475-G-A. GRCh37 (hg19) VCF-style: chr2-215876199-G-A.
Other names: c.1342C>T, p.Gln448Ter (NM_015657.4); short protein forms Q766*, Q448*.
Identifiers: ClinVar variation 489123 (VCV000489123.5), dbSNP rs772046102, ClinGen allele CA350483459.
Genomic context (GRCh38, chr2:215,011,475, plus strand): 5'-ATGCTTATTTTAAAGTATACTCACTGGAATTTATGGGAATTCCATATTTTGAAGCAATTT[G>A]CTCTTTAGTTAATTTATAAGTCAAAAAATCCTTGGTGTGGTTGCCTTTTGGCCTCTGGGA-3'